The following is an entry in ClinVar:

NM_001261826.3(AP3D1):c.1496C>G (p.Pro499Arg)

Gene: AP3D1 (adaptor related protein complex 3 subunit delta 1; minus strand). Cytogenetic location: 19p13.3.
Variant type: single nucleotide variant.
Coding change: c.1496C>G on transcript NM_001261826.3 (MANE Select); coding-DNA position 1496, C replaced by G.
Protein change: p.Pro499Arg; replaces proline 499 with arginine.
Molecular consequence: missense variant.
Genome position (GRCh38, 1-based): chr19:2,118,818, G>C on the plus strand (C>G on the coding strand, the complement: AP3D1 is on the minus strand). VCF-style: chr19-2118818-G-C. GRCh37 (hg19) VCF-style: chr19-2118817-G-C.
Other names: c.1496C>G, p.Pro499Arg (NM_001374799.1, NM_003938.8); short protein forms P499R.
Identifiers: ClinVar variation 5024185 (VCV005024185.1).
Genomic context (GRCh38, chr19:2,118,818, plus strand): 5'-TGGATGTGGCCTGGCAGCGTGGTGACTCTGGGCCGCAGCATGGCCTCCAAAGTGTGGTGT[G>C]GTTCCTGCAGATGCCTGAGGACAGGAAACACTGTGAGCCCCCAGGATGCCAATCCCGGGG-3'
Protein context (NP_001248755.1, residues 489-509): CGEFSEHLQE[Pro499Arg]HHTLEAMLRP

ClinVar aggregate classification (germline): Uncertain significance (1 of 4 stars; one submission).

Conditions:
Inborn genetic diseases. Identifiers: MedGen C0950123, MeSH D030342.

gnomAD v4.1: 4 of 1,613,336 alleles (0.00025%); highest among the groups gnomAD compares: African/African-American, 0.004%; no homozygotes.

Submission:

Ambry Genetics
Classification: Uncertain significance for Inborn genetic diseases. Last evaluated: 2026-07-28. Review status: criteria provided, single submitter. Criteria: Ambry Variant Classification Scheme 2023. Collection method: clinical testing. Allele origin: germline.
Comment: The c.1496C>G (p.P499R) alteration is located in exon 15 (coding exon 15) of the AP3D1 gene. This alteration results from a C to G substitution at nucleotide position 1496, causing the proline (P) at amino acid position 499 to be replaced by an arginine (R). Based on data from gnomAD, the G allele has an overall frequency of <0.001% (1/247404) total alleles studied. The highest observed frequency was 0.007% (1/15392) of African alleles. Based on insufficient or conflicting evidence, the clinical significance of this alteration remains unclear.